The following is an entry in ClinVar:

NM_000083.3(CLCN1):c.1471+1G>T

Gene: CLCN1 (chloride voltage-gated channel 1; plus strand). Cytogenetic location: 7q34.
Variant type: single nucleotide variant.
Coding change: c.1471+1G>T on transcript NM_000083.3 (MANE Select); the canonical splice donor site of the intron after coding-DNA position 1471, G replaced by T.
Molecular consequence: splice donor variant.
Genome position (GRCh38, 1-based): chr7:143,339,323, G>T. VCF-style: chr7-143339323-G-T. GRCh37 (hg19) VCF-style: chr7-143036416-G-T.
Identifiers: ClinVar variation 2016527 (VCV002016527.4), dbSNP rs375596425, ClinGen allele CA369645472.

ClinVar aggregate classification (germline): Pathogenic (1 of 4 stars; one submission).

Conditions:
Congenital myotonia, autosomal recessive form. Also called: BECKER DISEASE; Becker Generalized Myotonia; myotonia congenita, autosomal recessive. Identifiers: Orphanet 614, MedGen C0751360, MONDO:0009715, OMIM 255700.
Congenital myotonia, autosomal dominant form (THD). Also called: THOMSEN DISEASE; Myotonia congenita autosomal dominant. Identifiers: Orphanet 614, MedGen C2936781, MONDO:0008055, OMIM 160800.

Submission:

Labcorp Genetics (formerly Invitae), Labcorp
Classification: Pathogenic for Congenital myotonia, autosomal recessive form; Congenital myotonia, autosomal dominant form. Last evaluated: 2022-11-18. Review status: criteria provided, single submitter. Criteria: Invitae Variant Classification Sherloc (09022015). Collection method: clinical testing. Allele origin: germline.
Comment: For these reasons, this variant has been classified as Pathogenic. Algorithms developed to predict the effect of sequence changes on RNA splicing suggest that this variant may disrupt the consensus splice site. Disruption of this splice site has been observed in individual(s) with autosomal recessive myotonia congenita (PMID: 27614575). In at least one individual the data is consistent with being in trans (on the opposite chromosome) from a pathogenic variant. This variant is not present in population databases (gnomAD no frequency). This sequence change affects a donor splice site in intron 13 of the CLCN1 gene. It is expected to disrupt RNA splicing. Variants that disrupt the donor or acceptor splice site typically lead to a loss of protein function (PMID: 16199547), and loss-of-function variants in CLCN1 are known to be pathogenic (PMID: 17932099, 22094069, 23739125).

Literature cited by the submitters: PubMed 27614575; PubMed 16199547; PubMed 17932099; PubMed 22094069; PubMed 23739125.